The following is an entry in ClinVar:

NM_000059.4(BRCA2):c.6240_6241insAGAGGAATTTGATTTAATCAGAACTGAGCATAGTCTTCACTATTCACCTACGTCTAGACAAAATGTATCAAAAATACTTCCTCGTGTTGATAAGAGAAACCCAGAGCACTGTGTAAACTCAGAAATGGAAAAA (p.Glu2081delinsArgGlyIleTer)

Gene: BRCA2 (BRCA2 DNA repair associated; plus strand). Cytogenetic location: 13q13.1.
Variant type: Insertion.
Coding change: c.6240_6241insAGAGGAATTTGATTTAATCAGAACTGAGCATAGTCTTCACTATTCACCTACGTCTAGACAAAATGTATCAAAAATACTTCCTCGTGTTGATAAGAGAAACCCAGAGCACTGTGTAAACTCAGAAATGGAAAAA on transcript NM_000059.4 (MANE Select); coding-DNA positions 6240 to 6241, AGAGGAATTTGATTTAATCAGAACTGAGCATAGTCTTCACTATTCACCTACGTCTAGACAAAATGTATCAAAAATACTTCCTCGTGTTGATAAGAGAAACCCAGAGCACTGTGTAAACTCAGAAATGGAAAAA inserted.
Protein change: p.Glu2081delinsArgGlyIleTer.
Molecular consequence: nonsense. On other transcripts: frameshift variant (2).
Genome position: GRCh38: chr13:32,340,595-32,340,596. GRCh37 (hg19): chr13:32,914,732-32,914,733.
Other names: c.6240_6241insAGAGGAATTTGATTTAATCAGAACTGAGCATAGTCTTCACTATTCACCTACGTCTAGACAAAATGTATCAAAAATACTTCCTCGTGTTGATAAGAGAAACCCAGAGCACTGTGTAAACTCAGAAATGGAAAAA, p.Glu2081Argfs (NM_001406719.1, NM_001406720.1).
Identifiers: ClinVar variation 2017913 (VCV002017913.4), dbSNP rs80359570, ClinGen allele CA2580087866.

ClinVar aggregate classification (germline): Pathogenic (1 of 4 stars; one submission).

Conditions:
Hereditary breast ovarian cancer syndrome. Also called: Hereditary breast and/or ovarian cancer syndrome; Hereditary breast and ovarian cancer syndrome; BRCA1- and BRCA2-Associated Hereditary Breast and Ovarian Cancer; Breast and ovarian cancer; Hereditary breast and ovarian cancer; Hereditary breast and ovarian cancer syndrome (HBOC). Identifiers: Orphanet 145, MedGen C0677776, MeSH D061325, MONDO:0003582. Disease mechanism: loss of function.

Submission:

Labcorp Genetics (formerly Invitae), Labcorp
Classification: Pathogenic for Hereditary breast ovarian cancer syndrome. Last evaluated: 2022-08-05. Review status: criteria provided, single submitter. Criteria: Invitae Variant Classification Sherloc (09022015). Collection method: clinical testing. Allele origin: germline.
Comment: This variant is not present in population databases (gnomAD no frequency). This variant has not been reported in the literature in individuals affected with BRCA2-related conditions. This sequence change creates a premature translational stop signal (p.Glu2081Argfs*4) in the BRCA2 gene. It is expected to result in an absent or disrupted protein product. Loss-of-function variants in BRCA2 are known to be pathogenic (PMID: 20104584). For these reasons, this variant has been classified as Pathogenic.

Literature cited by the submitters: PubMed 20104584.